The following is an entry in ClinVar:

ClinVar aggregate classification (germline): Uncertain significance. Review status: criteria provided, single submitter (1 of 4 stars). 2 submissions from 2 submitters: Uncertain significance (1). 1 of the submissions does not count toward it. Last evaluated 2023-08-04.

Conditions:
Familial dysautonomia. Also called: HSAN III; FD. Identifiers: Orphanet 1764, MedGen C0013364, MONDO:0009131, OMIM 223900. Disease mechanism: loss of function.

Allele frequency attached by ClinVar (database versions not stated): gnomAD exomes below 0.00001 and 0.00001; ExAC 0.00002.
gnomAD v4.1: 3 of 1,614,072 alleles (0.00019%); highest among the groups gnomAD compares: Middle Eastern, 0.016%; no homozygotes.

Submissions (2):

Women's Health and Genetics/Laboratory Corporation of America, LabCorp
Classification: Uncertain significance. Last evaluated: 2023-08-04. Review status: criteria provided, single submitter. Criteria: LabCorp Variant Classification Summary - May 2015. Collection method: clinical testing. Allele origin: germline.
Comment: Variant summary: ELP1 c.3784A>G (p.Thr1262Ala) results in a non-conservative amino acid change in the encoded protein sequence. Four of five in-silico tools predict a benign effect of the variant on protein function. The variant allele was found at a frequency of 8e-06 in 251460 control chromosomes (gnomAD). The available data on variant occurrences in the general population are insufficient to allow any conclusion about variant significance. To our knowledge, no occurrence of c.3784A>G in individuals affected with Familial Dysautonomia and no experimental evidence demonstrating its impact on protein function have been reported. One ClinVar submitter has assessed this variant since 2014, and classified the variant as uncertain significance. Based on the evidence outlined above, the variant was classified as uncertain significance.

Natera, Inc.
Classification: Uncertain significance for Hereditary sensory and autonomic neuropathy type III. Last evaluated: 2020-04-21. Review status: no assertion criteria provided. Collection method: clinical testing. Allele origin: germline. Not counted in ClinVar's aggregate classification.

NM_003640.5(ELP1):c.3784A>G (p.Thr1262Ala)

Gene: ELP1 (elongator acetyltransferase complex subunit 1; minus strand). Cytogenetic location: 9q31.3.
Variant type: single nucleotide variant.
Coding change: c.3784A>G on transcript NM_003640.5 (MANE Select); coding-DNA position 3784, A replaced by G.
Protein change: p.Thr1262Ala; replaces threonine 1262 with alanine.
Molecular consequence: missense variant.
Genome position (GRCh38, 1-based): chr9:108,878,066, T>C on the plus strand (A>G on the coding strand, the complement: ELP1 is on the minus strand). VCF-style: chr9-108878066-T-C. GRCh37 (hg19) VCF-style: chr9-111640346-T-C.
Other names: c.3442A>G, p.Thr1148Ala (NM_001318360.2); c.2737A>G, p.Thr913Ala (NM_001330749.2); c.3784A>G (NM_003640.4); short protein forms T1148A, T1262A, T913A.
Identifiers: ClinVar variation 991611 (VCV000991611.2), dbSNP rs200634033, ClinGen allele CA5174188.